The following is an entry in ClinVar:

NM_004356.4(CD81):c.24G>C (p.Lys8Asn)

Genes: CD81 (CD81 molecule; plus strand), CD81-AS1 (CD81 antisense RNA 1; minus strand). Cytogenetic location: 11p15.5.
Variant type: single nucleotide variant.
Coding change: c.24G>C on transcript NM_004356.4 (MANE Select); coding-DNA position 24, G replaced by C.
Protein change: p.Lys8Asn; replaces lysine 8 with asparagine.
Molecular consequence: missense variant. On other transcripts: 5 prime UTR variant (1), intron variant (2).
Genome position (GRCh38, 1-based): chr11:2,377,573, G>C. VCF-style: chr11-2377573-G-C. GRCh37 (hg19) VCF-style: chr11-2398803-G-C.
Other names: c.-186G>C (NM_001425130.1); c.24G>C, p.Lys8Asn (NM_001425135.1, NM_001425137.1); c.-148+653G>C (NM_001425129.1); c.-148+1216G>C (NM_001297649.2); short protein forms K8N.
Identifiers: ClinVar variation 4707309 (VCV004707309.1).

ClinVar aggregate classification (germline): Uncertain significance (1 of 4 stars; one submission).

Submission:

Labcorp Genetics (formerly Invitae), Labcorp
Classification: Uncertain significance. Last evaluated: 2026-01-22. Review status: criteria provided, single submitter. Criteria: Invitae Variant Classification Sherloc (09022015). Collection method: clinical testing. Allele origin: germline.
Comment: This sequence change replaces lysine, which is basic and polar, with asparagine, which is neutral and polar, at codon 8 of the CD81 protein (p.Lys8Asn). This variant is not present in population databases (gnomAD no frequency). This variant has not been reported in the literature in individuals affected with CD81-related conditions. An algorithm developed to predict the effect of missense changes on protein structure and function (PolyPhen-2) suggests that this variant is likely to be disruptive. In summary, the available evidence is currently insufficient to determine the role of this variant in disease. Therefore, it has been classified as a Variant of Uncertain Significance.